The following is an entry in ClinVar:

ClinVar aggregate classification (germline): Pathogenic (1 of 4 stars; one submission).

Conditions:
Cerebral cavernous malformation (CCM). Also called: Cavernous Hemangioma of Brain; Cerebral cavernous malformations; CAVERNOUS ANGIOMA, FAMILIAL; CAVERNOUS ANGIOMATOUS MALFORMATIONS; CEREBRAL CAPILLARY MALFORMATIONS; Cerebral cavernous hemangioma (type). Identifiers: Orphanet 221061, MedGen C2919945, MONDO:0000820, OMIM 116860, HP:0033522.

Submission:

Labcorp Genetics (formerly Invitae), Labcorp
Classification: Pathogenic for Cerebral cavernous malformation. Last evaluated: 2019-01-26. Review status: criteria provided, single submitter. Criteria: Invitae Variant Classification Sherloc (09022015). Collection method: clinical testing. Allele origin: germline.
Comment: This sequence change creates a premature translational stop signal (p.Ser217Profs*2) in the KRIT1 gene. It is expected to result in an absent or disrupted protein product. This variant is not present in population databases (ExAC no frequency). This variant has not been reported in the literature in individuals with KRIT1-related conditions. Loss-of-function variants in KRIT1 are known to be pathogenic (PMID: 10508515, 11222804, 12404106, 24689081). For these reasons, this variant has been classified as Pathogenic.

Literature cited by the submitters: PubMed 10508515; PubMed 11222804; PubMed 12404106; PubMed 24689081.

NM_194454.3(KRIT1):c.649_661del (p.Ser217fs)

Gene: KRIT1 (KRIT1 ankyrin repeat containing; minus strand). Cytogenetic location: 7q21.2.
Variant type: Deletion.
Coding change: c.649_661del on transcript NM_194454.3 (MANE Select); coding-DNA positions 649 to 661, 13 bases deleted (AGTAAAATGTTAG).
Protein change: p.Ser217fs; shifts the reading frame from serine 217.
Molecular consequence: frameshift variant. On other transcripts: intron variant (1).
Genome position (GRCh38, 1-based): chr7:92,235,471-92,235,483, CTAACATTTTACT deleted on the plus strand (AGTAAAATGTTAG on the coding strand, the reverse complement: KRIT1 is on the minus strand); deleting any 13 consecutive bases within chr7:92,235,471-92,235,485 gives the same sequence; the c. name uses the placement nearest the transcript's 3' end. VCF-style (leftmost placement, unchanged base first): chr7-92235470-GCTAACATTTTACT-G. GRCh37 (hg19) VCF-style: chr7-91864784-GCTAACATTTTACT-G.
Other names: c.649_661del, p.Ser217fs (NM_001013406.2, NM_001350669.1, NM_001350670.1 and 29 more transcripts); c.15+51_15+63del (NM_001350671.1); short protein forms S217fs.
Identifiers: ClinVar variation 842646 (VCV000842646.8), dbSNP rs1798241938, ClinGen allele CA916082305.